The following is an entry in ClinVar:

ClinVar aggregate classification (germline): Uncertain significance. Review status: criteria provided, multiple submitters, no conflicts (2 of 4 stars). 2 submissions from 2 submitters: Uncertain significance (2). Last evaluated 2025-04-08.

Allele frequency attached by ClinVar (database versions not stated): gnomAD 0.00003; TOPMed 0.00008; ExAC 0.00014.

Submissions (2):

Ambry Genetics
Classification: Uncertain significance. Last evaluated: 2025-04-08. Review status: criteria provided, single submitter. Criteria: Ambry Variant Classification Scheme 2023. Collection method: clinical testing. Allele origin: germline.

Labcorp Genetics (formerly Invitae), Labcorp
Classification: Uncertain significance. Last evaluated: 2024-10-18. Review status: criteria provided, single submitter. Criteria: Invitae Variant Classification Sherloc (09022015). Collection method: clinical testing. Allele origin: germline.
Comment: This sequence change replaces valine, which is neutral and non-polar, with methionine, which is neutral and non-polar, at codon 174 of the TNS2 protein (p.Val174Met). This variant is present in population databases (rs771514984, gnomAD 0.2%), and has an allele count higher than expected for a pathogenic variant. This variant has not been reported in the literature in individuals affected with TNS2-related conditions. An algorithm developed to predict the effect of missense changes on protein structure and function outputs the following: PolyPhen-2: "Probably Damaging". The methionine amino acid residue is found in multiple mammalian species, which suggests that this missense change does not adversely affect protein function. In summary, the available evidence is currently insufficient to determine the role of this variant in disease. Therefore, it has been classified as a Variant of Uncertain Significance.

NM_170754.4(TNS2):c.490G>A (p.Val164Met)

Genes: TNS2 (tensin 2; plus strand), TNS2-AS1 (TNS2 antisense RNA 1; minus strand). Cytogenetic location: 12q13.13.
Variant type: single nucleotide variant.
Coding change: c.490G>A on transcript NM_170754.4 (MANE Select); coding-DNA position 490, G replaced by A.
Protein change: p.Val164Met; replaces valine 164 with methionine.
Molecular consequence: missense variant. On other transcripts: non-coding transcript variant (1).
Genome position (GRCh38, 1-based): chr12:53,054,409, G>A. VCF-style: chr12-53054409-G-A. GRCh37 (hg19) VCF-style: chr12-53448193-G-A.
Other names: c.520G>A (NM_015319.2); c.490G>A, p.Val164Met (NM_001416202.1, NM_001416204.1); c.421G>A, p.Val141Met (NM_001416203.1, NM_015319.3); c.118G>A, p.Val40Met (NM_198316.2); short protein forms V164M, V40M, V141M.
Identifiers: ClinVar variation 2722808 (VCV002722808.4), dbSNP rs771514984, ClinGen allele CA6591945.